The following is an entry in ClinVar:

ClinVar aggregate classification (germline): Uncertain significance (1 of 4 stars; one submission).

Submission:

GeneDx
Classification: Uncertain significance. Last evaluated: 2024-08-18. Review status: criteria provided, single submitter. Criteria: GeneDx Variant Classification Process June 2021. Collection method: clinical testing. Allele origin: germline. Affected: yes.
Comment: Not observed at significant frequency in large population cohorts (gnomAD); In silico analysis indicates that this missense variant does not alter protein structure/function; Has not been previously published as pathogenic or benign to our knowledge

NM_001519.4(BRF1):c.1832T>A (p.Leu611His)

Gene: BRF1 (BRF1 general transcription factor IIIB subunit; minus strand). Cytogenetic location: 14q32.33.
Variant type: single nucleotide variant.
Coding change: c.1832T>A on transcript NM_001519.4 (MANE Select); coding-DNA position 1832, T replaced by A.
Protein change: p.Leu611His; replaces leucine 611 with histidine.
Molecular consequence: missense variant.
Genome position (GRCh38, 1-based): chr14:105,211,286, A>T on the plus strand (T>A on the coding strand, the complement: BRF1 is on the minus strand). VCF-style: chr14-105211286-A-T. GRCh37 (hg19) VCF-style: chr14-105677623-A-T.
Other names: c.1553T>A, p.Leu518His (NM_001242786.2); c.1487T>A, p.Leu496His (NM_001242787.2); c.1751T>A, p.Leu584His (NM_001242788.2); c.1118T>A, p.Leu373His (NM_001242789.2); c.1220T>A, p.Leu407His (NM_145685.3); short protein forms L373H, L407H, L496H, L518H, L584H, L611H.
Identifiers: ClinVar variation 1312087 (VCV001312087.3), dbSNP rs775216395, ClinGen allele CA391190669.